The following is an entry in ClinVar:

NM_020777.3(SORCS2):c.2511C>T (p.Pro837=)

Gene: SORCS2 (sortilin related VPS10 domain containing receptor 2; plus strand). Cytogenetic location: 4p16.1.
Variant type: single nucleotide variant.
Coding change: c.2511C>T on transcript NM_020777.3 (MANE Select); coding-DNA position 2511, C replaced by T.
Protein change: p.Pro837=; no amino-acid change (proline 837 retained).
Molecular consequence: synonymous variant.
Genome position (GRCh38, 1-based): chr4:7,723,783, C>T. VCF-style: chr4-7723783-C-T. GRCh37 (hg19) VCF-style: chr4-7725510-C-T.
Identifiers: ClinVar variation 2654637 (VCV002654637.24), dbSNP rs369441927, ClinGen allele CA2845905.

ClinVar aggregate classification (germline): Likely benign (1 of 4 stars; one submission).

Allele frequency attached by ClinVar (database versions not stated): gnomAD 0.00007; TOPMed 0.00009; ExAC 0.00015; ESP Exome Variant Server 0.00016; gnomAD exomes 0.00022.
gnomAD v4.1: 340 of 1,613,834 alleles (0.021%); highest among the groups gnomAD compares: Non-Finnish European, 0.026%; 1 homozygote.

Submission:

CeGaT Center for Human Genetics Tuebingen
Classification: Likely benign. Last evaluated: 2022-12-01. Review status: criteria provided, single submitter. Criteria: CeGaT Center For Human Genetics Tuebingen Variant Classification Criteria Version 2. Collection method: clinical testing. Allele origin: germline. Affected: yes. Observed: 1 variant allele.
Comment: SORCS2: BP4, BP7